The following is an entry in ClinVar:

ClinVar aggregate classification (germline): Uncertain significance (1 of 4 stars; one submission).

Submission:

Laboratory for Molecular Medicine, Mass General Brigham Personalized Medicine
Classification: Uncertain significance. Last evaluated: 2016-05-16. Review status: criteria provided, single submitter. Criteria: LMM Criteria. Collection method: clinical testing. Allele origin: germline. Observed: 1 variant allele.
Comment: The c.-885_-16+61dup variant is located in the 5'UTR of GJB6. It has not been p reviously reported in individuals with hearing loss, and it has not been identif ied in large population studies. The impact of this variant unknown and therefo re the clinical significance of this variant is uncertain.

NM_006783.4(GJB6):c.(?_-885)_(-16_?)+61dup

Gene: GJB6 (gap junction protein beta 6; minus strand). Cytogenetic location: 13q12.11.
Variant type: Duplication.
Identifiers: ClinVar variation 505016 (VCV000505016.5).